The following is an entry in ClinVar:

ClinVar aggregate classification (germline): Uncertain significance (1 of 4 stars; one submission).

gnomAD v4.1: 3 of 1,612,016 alleles (0.00019%); highest among the groups gnomAD compares: African/African-American, 0.0027%; no homozygotes.

Submission:

Labcorp Genetics (formerly Invitae), Labcorp
Classification: Uncertain significance. Last evaluated: 2025-10-15. Review status: criteria provided, single submitter. Criteria: Invitae Variant Classification Sherloc (09022015). Collection method: clinical testing. Allele origin: germline.
Comment: This sequence change falls in intron 8 of the MECOM gene. It does not directly change the encoded amino acid sequence of the MECOM protein. This variant is present in population databases (rs748906253, gnomAD 0.0009%). This variant has not been reported in the literature in individuals affected with MECOM-related conditions. Algorithms developed to predict the effect of sequence changes on RNA splicing suggest that this variant may disrupt the consensus splice site. In summary, the available evidence is currently insufficient to determine the role of this variant in disease. Therefore, it has been classified as a Variant of Uncertain Significance.

NM_004991.4(MECOM):c.2578-13A>G

Gene: MECOM (MDS1 and EVI1 complex locus; minus strand). Cytogenetic location: 3q26.2.
Variant type: single nucleotide variant.
Coding change: c.2578-13A>G on transcript NM_004991.4 (MANE Select); 13 bases into the intron before coding-DNA position 2578, A replaced by G.
Molecular consequence: intron variant.
Genome position (GRCh38, 1-based): chr3:169,107,965, T>C on the plus strand (A>G on the coding strand, the complement: MECOM is on the minus strand). VCF-style: chr3-169107965-T-C. GRCh37 (hg19) VCF-style: chr3-168825753-T-C.
Other names: c.2014-13A>G (NM_001205194.2, NM_001366469.2, NM_001105078.4 and 1 more transcripts); c.1605+4822A>G (NM_001366473.2); c.2577+4822A>G (NM_001366466.2); c.1041+4822A>G (NM_001366474.2); c.2013+4822A>G (NM_001164000.2, NM_001366471.2, NM_001366472.2); c.2016+4822A>G (NM_001366470.2, NM_001163999.2); c.2017-13A>G (NM_001366467.2, NM_001366468.2); c.2209-13A>G (NM_001105077.4).
Identifiers: ClinVar variation 4809045 (VCV004809045.1).